The following is an entry in ClinVar:

ClinVar aggregate classification (germline): Uncertain significance (0 of 4 stars; one submission).

Conditions:
MKKS-related disorder. Also called: MKKS-related condition; MKKS-related disorders.

Submission:

PreventionGenetics, part of Exact Sciences
Classification: Uncertain significance for MKKS-related condition. Last evaluated: 2024-06-04. Review status: no assertion criteria provided. Collection method: clinical testing. Allele origin: germline.
Comment: The MKKS c.398C>G variant is predicted to result in the amino acid substitution p.Ser133Cys. To our knowledge, this variant has not been reported in the literature or in a large population database, indicating this variant is rare. At this time, the clinical significance of this variant is uncertain due to the absence of conclusive functional and genetic evidence.

NM_170784.3(MKKS):c.398C>G (p.Ser133Cys)

Gene: MKKS (MKKS centrosomal shuttling protein; minus strand). Cytogenetic location: 20p12.2.
Variant type: single nucleotide variant.
Coding change: c.398C>G on transcript NM_170784.3 (MANE Select); coding-DNA position 398, C replaced by G.
Protein change: p.Ser133Cys; replaces serine 133 with cysteine.
Molecular consequence: missense variant.
Genome position (GRCh38, 1-based): chr20:10,413,117, G>C on the plus strand (C>G on the coding strand, the complement: MKKS is on the minus strand). VCF-style: chr20-10413117-G-C. GRCh37 (hg19) VCF-style: chr20-10393765-G-C.
Other names: c.398C>G, p.Ser133Cys (NM_018848.3); short protein forms S133C.
Identifiers: ClinVar variation 3346701 (VCV003346701.1).